The following is an entry in ClinVar:

ClinVar aggregate classification (germline): Uncertain significance (1 of 4 stars; one submission).

gnomAD v4.1: 13 of 1,603,304 alleles (0.00081%); highest among the groups gnomAD compares: Non-Finnish European, 0.001%; no homozygotes.

Submission:

GeneDx
Classification: Uncertain significance. Last evaluated: 2024-12-02. Review status: criteria provided, single submitter. Criteria: GeneDx Variant Classification Process June 2021. Collection method: clinical testing. Allele origin: germline. Affected: yes.
Comment: In silico analysis supports that this missense variant has a deleterious effect on protein structure/function; Has not been previously published as pathogenic or benign to our knowledge

NM_001199397.3(NEK1):c.611A>G (p.Glu204Gly)

Gene: NEK1 (NIMA related kinase 1; minus strand). Cytogenetic location: 4q33.
Variant type: single nucleotide variant.
Coding change: c.611A>G on transcript NM_001199397.3 (MANE Select); coding-DNA position 611, A replaced by G.
Protein change: p.Glu204Gly; replaces glutamic acid 204 with glycine.
Molecular consequence: missense variant. On other transcripts: non-coding transcript variant (2).
Genome position (GRCh38, 1-based): chr4:169,585,545, T>C on the plus strand (A>G on the coding strand, the complement: NEK1 is on the minus strand). VCF-style: chr4-169585545-T-C. GRCh37 (hg19) VCF-style: chr4-170506696-T-C.
Other names: c.611A>G, p.Glu204Gly (NM_001199398.3, NM_001199399.3, NM_001199400.3 and 7 more transcripts); short protein forms E204G.
Identifiers: ClinVar variation 3900889 (VCV003900889.1).